The following is an entry in ClinVar:

ClinVar aggregate classification (germline): Conflicting classifications of pathogenicity. Review status: criteria provided, conflicting classifications (1 of 4 stars). 2 submissions from 2 submitters: Likely pathogenic (1); Uncertain significance (1). Last evaluated 2025-08-29.

Conditions:
Intellectual developmental disorder, autosomal dominant 1. Also called: Intellectual disability, autosomal dominant 1; MBD5 Haploinsufficiency. Identifiers: Orphanet 228402, MedGen C1969562, MONDO:0007974, OMIM 156200.

Submissions (2):

GeneDx
Classification: Likely pathogenic. Last evaluated: 2025-08-29. Review status: criteria provided, single submitter. Criteria: GeneDx Variant Classification Process June 2021. Collection method: clinical testing. Allele origin: germline. Affected: yes.
Comment: Identified in a patient with epilepsy and neurodevelopmental disorders in published literature (PMID: 29655203); In silico analysis supports that this missense variant has a deleterious effect on protein structure/function; Not observed at significant frequency in large population cohorts (gnomAD); This variant is associated with the following publications: (PMID: 29655203)

Labcorp Genetics (formerly Invitae), Labcorp
Classification: Uncertain significance for Intellectual developmental disorder, autosomal dominant 1. Last evaluated: 2023-03-20. Review status: criteria provided, single submitter. Criteria: Invitae Variant Classification Sherloc (09022015). Collection method: clinical testing. Allele origin: germline.
Comment: This sequence change replaces arginine, which is basic and polar, with histidine, which is basic and polar, at codon 27 of the MBD5 protein (p.Arg27His). This variant is not present in population databases (gnomAD no frequency). This missense change has been observed in individual(s) with epilepsy and/or neurodevelopmental delay (PMID: 29655203). ClinVar contains an entry for this variant (Variation ID: 858515). Advanced modeling of protein sequence and biophysical properties (such as structural, functional, and spatial information, amino acid conservation, physicochemical variation, residue mobility, and thermodynamic stability) has been performed at Invitae for this missense variant, however the output from this modeling did not meet the statistical confidence thresholds required to predict the impact of this variant on MBD5 protein function. In summary, the available evidence is currently insufficient to determine the role of this variant in disease. Therefore, it has been classified as a Variant of Uncertain Significance.

Literature cited by the submitters: PubMed 29655203 (cited by Labcorp Genetics (formerly Invitae), Labcorp).

NM_001378120.1(MBD5):c.80G>A (p.Arg27His)

Gene: MBD5 (methyl-CpG binding domain protein 5; plus strand). Cytogenetic location: 2q23.1.
Variant type: single nucleotide variant.
Coding change: c.80G>A on transcript NM_001378120.1 (MANE Select); coding-DNA position 80, G replaced by A.
Protein change: p.Arg27His; replaces arginine 27 with histidine.
Molecular consequence: missense variant.
Genome position (GRCh38, 1-based): chr2:148,458,838, G>A. VCF-style: chr2-148458838-G-A. GRCh37 (hg19) VCF-style: chr2-149216407-G-A.
Other names: c.80G>A, p.Arg27His (NM_018328.5); short protein forms R27H.
Identifiers: ClinVar variation 858515 (VCV000858515.14), dbSNP rs1706965994, ClinGen allele CA348715605.
Genomic context (GRCh38, chr2:148,458,838, plus strand): 5'-GTGACGGAGGGGACAAGGAAGGAGGTCTTCCAGCTATACAAGTTCCTGTGGGTTGGCAGC[G>A]TCGTGTGGATCAAAATGGAGTGCTTTATGTCAGGTAAGTTCTTATTATTACCTGTGGTAC-3'
Protein context (NP_001365049.1, residues 17-37): PAIQVPVGWQ[Arg27His]RVDQNGVLYV